The following is an entry in ClinVar:

ClinVar aggregate classification (germline): Conflicting classifications of pathogenicity. Review status: criteria provided, conflicting classifications (1 of 4 stars). 6 submissions from 6 submitters: Pathogenic (2); Likely pathogenic (2); Uncertain significance (1). 1 of the submissions does not count toward it. Last evaluated 2025-01-06.

Conditions:
TRPM1-related disorder. Also called: TRPM1-related condition.
Congenital stationary night blindness. Also called: Early-onset non-progressive night blindness. Identifiers: Orphanet 215, MedGen C0339535, MONDO:0016293, HP:0007642.

Allele frequency attached by ClinVar (database versions not stated): ExAC 0.00002; gnomAD exomes 0.00002; gnomAD 0.00003; TOPMed 0.00005; ESP Exome Variant Server 0.00008.

Submissions (6):

PreventionGenetics, part of Exact Sciences
Classification: Likely pathogenic for TRPM1-related condition. Last evaluated: 2025-01-06. Review status: criteria provided, single submitter. Criteria: ACMG Guidelines, 2015. Collection method: clinical testing. Allele origin: germline.
Comment: The TRPM1 c.3121A>T variant is predicted to result in the amino acid substitution p.Ile1041Phe. This variant can also be denoted as c.3004A>T (p.Ile1002Phe) in transcript NM_002420.5. This variant has been reported along with a second TRPM1 variant in individuals with congenital stationary night blindness (Li et al. 2009. PubMed ID: 19878917; Table S5, Ellingford et al. 2018. PubMed ID: 29074561; Table S1, Zhu et al. 2022. PubMed ID: 35456422; reported as c.3070A>T, Iosifidis et al. 2022. PubMed ID: 35633130; Gupta et al. 2022. PubMed ID: 36284670). This variant is present in 0.0035% of alleles in individuals of European (Non-Finnish) descent in gnomAD. This variant is interpreted as likely pathogenic.

Blueprint Genetics
Classification: Pathogenic for TRPM1-related disorders. Last evaluated: 2024-10-31. Review status: criteria provided, single submitter. Criteria: ACMG Guidelines, 2015. Collection method: clinical testing. Allele origin: germline. Affected: yes. Observed: 5 variant alleles.

Labcorp Genetics (formerly Invitae), Labcorp
Classification: Pathogenic. Last evaluated: 2024-09-16. Review status: criteria provided, single submitter. Criteria: Invitae Variant Classification Sherloc (09022015). Collection method: clinical testing. Allele origin: germline.
Comment: This sequence change replaces isoleucine, which is neutral and non-polar, with phenylalanine, which is neutral and non-polar, at codon 1002 of the TRPM1 protein (p.Ile1002Phe). This variant is present in population databases (rs369484186, gnomAD 0.004%). This missense change has been observed in individual(s) with congenital stationary night blindness (PMID: 19878917, 28041643, 29074561, 35633130). In at least one individual the data is consistent with being in trans (on the opposite chromosome) from a pathogenic variant. This variant is also known as p.Ile1041Phe. ClinVar contains an entry for this variant (Variation ID: 290045). Invitae Evidence Modeling of protein sequence and biophysical properties (such as structural, functional, and spatial information, amino acid conservation, physicochemical variation, residue mobility, and thermodynamic stability) has been performed for this missense variant. However, the output from this modeling did not meet the statistical confidence thresholds required to predict the impact of this variant on TRPM1 protein function. For these reasons, this variant has been classified as Pathogenic.

GeneDx
Classification: Likely pathogenic. Last evaluated: 2023-07-20. Review status: criteria provided, single submitter. Criteria: GeneDx Variant Classification Process June 2021. Collection method: clinical testing. Allele origin: germline. Affected: yes.
Comment: In silico analysis supports that this missense variant has a deleterious effect on protein structure/function; Not observed at significant frequency in large population cohorts (gnomAD); This variant is associated with the following publications: (PMID: 19878917, 28041643, 32581362, 35633130, 29074561, 36284670, 35456422)

Eurofins Ntd Llc (ga)
Classification: Uncertain significance. Last evaluated: 2016-08-30. Review status: criteria provided, single submitter. Criteria: EGL Classification Definitions 2015. Collection method: clinical testing. Allele origin: germline. Observed: 1 variant allele, 1 heterozygote.

NIHR Bioresource Rare Diseases, University of Cambridge
Classification: Likely pathogenic for Congenital stationary night blindness. Last evaluated: 2015-01-01. Review status: no assertion criteria provided. Collection method: research. Allele origin: unknown. Affected: yes. Observed: 1 variant allele. Not counted in ClinVar's aggregate classification.

Literature cited by the submitters: PubMed 19878917 (cited by Labcorp Genetics (formerly Invitae), Labcorp and NIHR Bioresource Rare Diseases, University of Cambridge); PubMed 28041643 (cited by Labcorp Genetics (formerly Invitae), Labcorp and NIHR Bioresource Rare Diseases, University of Cambridge); PubMed 29074561 (cited by Labcorp Genetics (formerly Invitae), Labcorp); PubMed 35633130 (cited by Labcorp Genetics (formerly Invitae), Labcorp).

NM_001252024.2(TRPM1):c.3070A>T (p.Ile1024Phe)

Genes: TRPM1 (transient receptor potential cation channel subfamily M member 1; minus strand), TRPM1-AS1 (TRPM1 antisense RNA 1; plus strand). Cytogenetic location: 15q13.3.
Variant type: single nucleotide variant.
Coding change: c.3070A>T on transcript NM_001252024.2 (MANE Select); coding-DNA position 3070, A replaced by T.
Protein change: p.Ile1024Phe; replaces isoleucine 1024 with phenylalanine.
Molecular consequence: missense variant.
Genome position (GRCh38, 1-based): chr15:31,031,040, T>A on the plus strand (A>T on the coding strand, the complement: TRPM1 is on the minus strand). VCF-style: chr15-31031040-T-A. GRCh37 (hg19) VCF-style: chr15-31323243-T-A.
Other names: c.3121A>T, p.Ile1041Phe (NM_001252020.2); c.3004A>T, p.Ile1002Phe (NM_002420.6); short protein forms I1002F, I1041F, I1024F.
Identifiers: ClinVar variation 290045 (VCV000290045.14), dbSNP rs369484186, ClinGen allele CA7451999.